The following is an entry in ClinVar:

ClinVar aggregate classification (germline): Likely benign (1 of 4 stars; one submission).

Submission:

CeGaT Center for Human Genetics Tuebingen
Classification: Likely benign. Last evaluated: 2026-08-01. Review status: criteria provided, single submitter. Criteria: CeGaT Center For Human Genetics Tuebingen Variant Classification Criteria Version 2. Collection method: clinical testing. Allele origin: germline. Affected: yes. Observed: 1 variant allele.
Comment: HNMT: PM2:Supporting, BP4, BP7

NM_006895.3(HNMT):c.837T>C (p.Val279=)

Gene: HNMT (histamine N-methyltransferase; plus strand). Cytogenetic location: 2q22.1.
Variant type: single nucleotide variant.
Coding change: c.837T>C on transcript NM_006895.3 (MANE Select); coding-DNA position 837, T replaced by C.
Protein change: p.Val279=; no amino-acid change (valine 279 retained).
Molecular consequence: synonymous variant.
Genome position (GRCh38, 1-based): chr2:138,014,088, T>C. VCF-style: chr2-138014088-T-C. GRCh37 (hg19) VCF-style: chr2-138771658-T-C.
Identifiers: ClinVar variation 5040550 (VCV005040550.1).